The following is an entry in ClinVar:

NM_206933.4(USH2A):c.2809+2T>A

Genes: USH2A (usherin; minus strand), LOC122152296 (Sharpr-MPRA regulatory region 8762; plus strand). Cytogenetic location: 1q41.
Variant type: single nucleotide variant.
Coding change: c.2809+2T>A on transcript NM_206933.4 (MANE Select); the canonical splice donor site of the intron after coding-DNA position 2809, T replaced by A.
Molecular consequence: splice donor variant.
Genome position (GRCh38, 1-based): chr1:216,246,583, A>T on the plus strand (T>A on the coding strand, the complement: USH2A is on the minus strand). VCF-style: chr1-216246583-A-T. GRCh37 (hg19) VCF-style: chr1-216419925-A-T.
Other names: c.2809+2T>A (NM_007123.6).
Identifiers: ClinVar variation 504388 (VCV000504388.15), dbSNP rs1553320397, ClinGen allele CA344863986.

ClinVar aggregate classification (germline): Pathogenic/Likely pathogenic. Review status: criteria provided, multiple submitters, no conflicts (2 of 4 stars). 4 submissions from 4 submitters: Pathogenic (2); Likely pathogenic (2). Last evaluated 2023-04-11.

Conditions:
Rare genetic deafness. Identifiers: Orphanet 96210, MedGen C5680250.
Usher syndrome type 2A. Also called: USHER SYNDROME, TYPE IIA; RETINAL DISEASE IN USHER SYNDROME TYPE IIA, MODIFIER OF. Identifiers: Orphanet 231178, Orphanet 886, MedGen C1848634, MONDO:0010169, OMIM 276901.

Submissions (4):

Genome-Nilou Lab
Classification: Likely pathogenic for Usher syndrome type 2A. Last evaluated: 2023-04-11. Review status: criteria provided, single submitter. Criteria: ACMG Guidelines, 2015. Collection method: clinical testing. Allele origin: germline. Affected: no.

Labcorp Genetics (formerly Invitae), Labcorp
Classification: Pathogenic. Last evaluated: 2022-10-28. Review status: criteria provided, single submitter. Criteria: Invitae Variant Classification Sherloc (09022015). Collection method: clinical testing. Allele origin: germline.
Comment: For these reasons, this variant has been classified as Pathogenic. Algorithms developed to predict the effect of sequence changes on RNA splicing suggest that this variant may disrupt the consensus splice site. ClinVar contains an entry for this variant (Variation ID: 504388). Disruption of this splice site has been observed in individual(s) with Usher syndrome (PMID: 24944099, 26969326). This variant is not present in population databases (gnomAD no frequency). This sequence change affects a donor splice site in intron 13 of the USH2A gene. It is expected to disrupt RNA splicing. Variants that disrupt the donor or acceptor splice site typically lead to a loss of protein function (PMID: 16199547), and loss-of-function variants in USH2A are known to be pathogenic (PMID: 10729113, 10909849, 20507924, 25649381).

GeneDx
Classification: Likely pathogenic. Last evaluated: 2018-02-16. Review status: criteria provided, single submitter. Criteria: GeneDx Variant Classification (06012015). Collection method: clinical testing. Allele origin: germline. Affected: yes.
Comment: The c.2809+2T>A splice site variant in the USH2A gene has not been published as a pathogenic variant, nor has it been reported as a benign variant to our knowledge. This variant destroys the canonical splice donor site in intron 13, and is expected to cause abnormal gene splicing. This variant is not observed in large population cohorts (Lek et al., 2016). Based on currently available evidence, we consider c.2809+2T>A to be a likely pathogenic variant.

Laboratory for Molecular Medicine, Mass General Brigham Personalized Medicine
Classification: Pathogenic for Rare genetic deafness. Last evaluated: 2017-06-20. Review status: criteria provided, single submitter. Criteria: LMM Criteria. Collection method: clinical testing. Allele origin: germline. Inheritance: Autosomal recessive inheritance. Observed: 1 variant allele.
Comment: The c.2809+2T>A variant in USH2A has not been previously reported in individuals with hearing loss or Usher syndrome and is absent from large population databas es. This variant occurs in the invariant region (+/- 1,2) of the splice consensu s sequence and is predicted to cause altered splicing leading to an abnormal or absent protein. Loss of function is an established disease mechanism for autosom al recessive Usher syndrome. In summary, the c.2809+2T>A variant meets criteria to be classified as pathogenic for autosomal recessive Usher syndrome based on the predicted impact to splicing.

Literature cited by the submitters: PubMed 24944099 (cited by Labcorp Genetics (formerly Invitae), Labcorp); PubMed 26969326 (cited by Labcorp Genetics (formerly Invitae), Labcorp); PubMed 16199547 (cited by Labcorp Genetics (formerly Invitae), Labcorp); PubMed 10729113 (cited by Labcorp Genetics (formerly Invitae), Labcorp); PubMed 10909849 (cited by Labcorp Genetics (formerly Invitae), Labcorp); PubMed 20507924 (cited by Labcorp Genetics (formerly Invitae), Labcorp); PubMed 25649381 (cited by Labcorp Genetics (formerly Invitae), Labcorp).